The following is an entry in ClinVar:

ClinVar aggregate classification (germline): Pathogenic. Review status: criteria provided, multiple submitters, no conflicts (2 of 4 stars). 14 submissions from 14 submitters: Pathogenic (8). 6 of the submissions do not count toward it. Last evaluated 2026-01-09.

Conditions:
NPHS1-related disorder. Also called: NPHS1-related condition.
Nephrotic syndrome. Identifiers: MedGen C0027726, MONDO:0005377, HP:0000100.
Finnish congenital nephrotic syndrome (NPHS1). Also called: NEPHROTIC SYNDROME, TYPE 1. Identifiers: Orphanet 839, MedGen C0403399, MONDO:0009732, OMIM 256300.

Allele frequency attached by ClinVar (database versions not stated): gnomAD 0.00006 and 0.00007; ExAC 0.00003; gnomAD exomes 0.00004 and 0.00013; ESP Exome Variant Server 0.00008; TOPMed 0.00006.
gnomAD v4.1: 195 of 1,614,086 alleles (0.012%); highest among the groups gnomAD compares: Non-Finnish European, 0.016%; no homozygotes.

Submissions (14):

Labcorp Genetics (formerly Invitae), Labcorp
Classification: Pathogenic. Last evaluated: 2026-01-09. Review status: criteria provided, single submitter. Criteria: Invitae Variant Classification Sherloc (09022015). Collection method: clinical testing. Allele origin: germline.
Comment: This sequence change replaces cysteine, which is neutral and slightly polar, with phenylalanine, which is neutral and non-polar, at codon 623 of the NPHS1 protein (p.Cys623Phe). This variant is present in population databases (rs386833895, gnomAD 0.008%). This missense change has been observed in individual(s) with nephrotic syndrome (PMID: 11854170, 15338398, 18709391, 19812541, 20172850, 24902943). In at least one individual the data is consistent with being in trans (on the opposite chromosome) from a pathogenic variant. ClinVar contains an entry for this variant (Variation ID: 56453). Invitae Evidence Modeling of protein sequence and biophysical properties (such as structural, functional, and spatial information, amino acid conservation, physicochemical variation, residue mobility, and thermodynamic stability) indicates that this missense variant is expected to disrupt NPHS1 protein function with a positive predictive value of 80%. Experimental studies have shown that this missense change affects NPHS1 function (PMID: 11726550). For these reasons, this variant has been classified as Pathogenic.

Natera, Inc.
Classification: Pathogenic for Finnish congenital nephrotic syndrome. Last evaluated: 2025-07-31. Review status: criteria provided, single submitter. Criteria: Natera Variant Classification Schema (03/2026). Collection method: clinical testing. Allele origin: germline.
Comment: The c.1868G>T variant in NPHS1 is a missense variant predicted to cause substitution of cysteine to phenylalanine at amino acid 623. This variant is rare in the general population with a frequency below the threshold expected for the associated phenotype(s). This variant has been observed in one or more individuals affected with the associated recessive disease, as either homozygous or compound heterozygous with a second variant (PMID: 20172850, 30655312, 30215773, 19812541). Computational prediction algorithms indicate this variant is likely to affect gene or protein function. Given the available evidence, this variant is classified as Pathogenic.

GeneDx
Classification: Pathogenic. Last evaluated: 2025-02-11. Review status: criteria provided, single submitter. Criteria: GeneDx Variant Classification Process June 2021. Collection method: clinical testing. Allele origin: germline. Affected: yes.
Comment: Published in vitro functional studies demonstrated that C623F significantly impaired tyrosine phosphorylation and cell surface translocation of mutant protein (PMID: 30212551, 11726550); Not observed at a significant frequency in large population cohorts (gnomAD); In silico analysis supports that this missense variant has a deleterious effect on protein structure/function; This variant is associated with the following publications: (PMID: 18709391, 27019444, 11317351, 30212551, 20172850, 21415313, 11726550, 9915943, 30655312, 15503167, 28921387, 24902943, 20798252, 11854170, 15338398, 31589614, 19812541)

Fulgent Genetics
Classification: Pathogenic for Finnish congenital nephrotic syndrome. Last evaluated: 2024-06-06. Review status: criteria provided, single submitter. Criteria: ACMG Guidelines, 2015. Collection method: clinical testing. Allele origin: germline.

Women's Health and Genetics/Laboratory Corporation of America, LabCorp
Classification: Pathogenic for Finnish congenital nephrotic syndrome. Last evaluated: 2023-12-12. Review status: criteria provided, single submitter. Criteria: LabCorp Variant Classification Summary - May 2015. Collection method: clinical testing. Allele origin: germline.
Comment: Variant summary: NPHS1 c.1868G>T (p.Cys623Phe) results in a non-conservative amino acid change located in the Immunoglobulin subtype 2 domain (IPR003598) of the encoded protein sequence. Four of four in-silico tools predict a damaging effect of the variant on protein function. The variant allele was found at a frequency of 3.6e-05 in 250770 control chromosomes (gnomAD). c.1868G>T has been reported in the literature in multiple individuals affected with Nephrotic Syndrome (examples: Hinkes_2007, Schoeb_2010, Cooper_2018, Tan_2019). These data indicate that the variant is very likely to be associated with disease. At least one publication reports experimental evidence that this variant disrupts the cell surface translocation of mutant protein (Cooper_2018). The following publications have been ascertained in the context of this evaluation (PMID: 30212551, 17371932, 20172850, 28921387). Seven submitters have cited clinical-significance assessments for this variant to ClinVar after 2014. All submitters classified the variant as pathogenic/likely pathogenic. Based on the evidence outlined above, the variant was classified as pathogenic.

Blueprint Genetics
Classification: Pathogenic for NPHS1-related disorders. Last evaluated: 2021-08-04. Review status: criteria provided, single submitter. Criteria: ACMG Guidelines, 2015. Collection method: clinical testing. Allele origin: germline. Affected: yes. Observed: 4 variant alleles.

Vasylyeva lab, Texas Tech University Health Sciences Center
Classification: Pathogenic for Finnish congenital nephrotic syndrome. Last evaluated: 2019-01-17. Review status: criteria provided, single submitter. Criteria: ACMG Guidelines, 2015. Collection method: clinical testing. Allele origin: unknown. Affected: yes.

Illumina Laboratory Services, Illumina
Classification: Pathogenic for Finnish congenital nephrotic syndrome. Last evaluated: 2017-04-27. Review status: criteria provided, single submitter. Criteria: ICSL Variant Classification Criteria 09 May 2019. Collection method: clinical testing. Allele origin: germline.
Comment: The NPHS1 c.1868G>T (p.Cys623Phe) variant has been reported in six studies and is found in a total of eight patients with congenital Finnish nephrosis, including in one patient in a homozygous state, six patients (including a sibling pair) in a compound heterozygous state, and one patient in a heterozygous state in whom a second variant was not detected (Lenkkeri et al. 1999; Koziell et al. 2002; Schultheiss et al. 2004; Santin et al. 2009; Buscher et al. 2010; Schoeb et al. 2010). The p.Cys623Phe variant was absent from 173 controls but is reported at a frequency of 0.00005 in the European (non-Finnish) population of the Exome Aggregation Consortium. Functional studies demonstrated impaired intracellular trafficking of the p.Cys623Phe variant protein with retention in the endoplasmic reticulum compared to localization of the wild type protein at the plasma membrane (Liu et al. 2001). Based on the collective evidence, the p.Cys623Phe variant is classified as pathogenic for congenital nephrotic syndrome. This variant was observed by ICSL as part of a predisposition screen in an ostensibly healthy population.

PreventionGenetics, part of Exact Sciences
Classification: Pathogenic for NPHS1-related condition. Last evaluated: 2024-08-07. Review status: no assertion criteria provided. Collection method: clinical testing. Allele origin: germline. Not counted in ClinVar's aggregate classification.
Comment: The NPHS1 c.1868G>T variant is predicted to result in the amino acid substitution p.Cys623Phe. This variant has been reported to be pathogenic for congenital nephrotic syndrome due to impaired cell surface translocation (see for example, Lenkkeri et al. 1999. PubMed ID:9915943 and Mann et al. 2019. PubMed ID: 30655312; functional study at Liu et al. 2001. PubMed ID:11726550). This variant is reported in 0.0078% of alleles in individuals of European (Non-Finnish) descent in gnomAD. This variant is interpreted as pathogenic.

Yale Center for Mendelian Genomics, Yale University
Classification: Pathogenic for Nephrotic syndrome. Last evaluated: 2019-01-17. Review status: no assertion criteria provided. Collection method: literature only. Allele origin: germline. Affected: yes. Observed: 1 homozygote. Study: Yale Center for Mendelian Genomics. Not counted in ClinVar's aggregate classification.

Counsyl
Classification: Likely pathogenic for Finnish congenital nephrotic syndrome. Last evaluated: 2014-04-08. Review status: no assertion criteria provided. Collection method: literature only. Allele origin: unknown. Inheritance: Autosomal recessive inheritance. Not counted in ClinVar's aggregate classification.

Genome Diagnostics Laboratory, University Medical Center Utrecht
Classification: Pathogenic. Review status: no assertion criteria provided. Collection method: clinical testing. Allele origin: germline. Affected: yes. Study: VKGL Data-share Consensus. Not counted in ClinVar's aggregate classification.

Joint Genome Diagnostic Labs from Nijmegen and Maastricht, Radboudumc and MUMC+
Classification: Likely pathogenic. Review status: no assertion criteria provided. Collection method: clinical testing. Allele origin: germline. Affected: yes. Study: VKGL Data-share Consensus. Not counted in ClinVar's aggregate classification.

Juha Muilu Group; Institute for Molecular Medicine Finland (FIMM)
Classification: Likely pathogenic for Finnish congenital nephrotic syndrome. Review status: no assertion criteria provided. Collection method: not provided. Allele origin: unknown. Not counted in ClinVar's aggregate classification.
Comment: FinDis database variant: This variant was not found or characterized by our laboratory, data were collected from public sources: see reference
ClinVar note: Converted during submission from probable-pathogenic to Likely pathogenic.

Literature cited by the submitters: PubMed 11854170 (cited by 3 submitters); PubMed 15338398 (cited by 3 submitters); PubMed 18709391 (cited by Labcorp Genetics (formerly Invitae), Labcorp); PubMed 19812541 (cited by 3 submitters); PubMed 20172850 (cited by 6 submitters); PubMed 24902943 (cited by Labcorp Genetics (formerly Invitae), Labcorp); PubMed 11726550 (cited by 3 submitters); PubMed 30655312 (cited by Natera, Inc. and Yale Center for Mendelian Genomics, Yale University); PubMed 30215773 (cited by Natera, Inc.); PubMed 17371932 (cited by Women's Health and Genetics/Laboratory Corporation of America, LabCorp); PubMed 30212551 (cited by Women's Health and Genetics/Laboratory Corporation of America, LabCorp); PubMed 28921387 (cited by Women's Health and Genetics/Laboratory Corporation of America, LabCorp); PubMed 20798252 (cited by Vasylyeva lab, Texas Tech University Health Sciences Center and Illumina Laboratory Services, Illumina); PubMed 9915943 (cited by Illumina Laboratory Services, Illumina and Counsyl); PubMed 21415313 (cited by Counsyl).

NM_004646.4(NPHS1):c.1868G>T (p.Cys623Phe)

Gene: NPHS1 (NPHS1 adhesion molecule, nephrin; minus strand). Cytogenetic location: 19q13.12.
Variant type: single nucleotide variant.
Coding change: c.1868G>T on transcript NM_004646.4 (MANE Select); coding-DNA position 1868, G replaced by T.
Protein change: p.Cys623Phe; replaces cysteine 623 with phenylalanine.
Molecular consequence: missense variant.
Genome position (GRCh38, 1-based): chr19:35,845,430, C>A on the plus strand (G>T on the coding strand, the complement: NPHS1 is on the minus strand). VCF-style: chr19-35845430-C-A. GRCh37 (hg19) VCF-style: chr19-36336332-C-A.
Other names: short protein forms C623F.
Identifiers: ClinVar variation 56453 (VCV000056453.38), dbSNP rs386833895, ClinGen allele CA250148.